The following is an entry in ClinVar:

NM_138927.4(SON):c.2909A>G (p.Tyr970Cys)

Gene: SON (SON DNA and RNA binding protein; plus strand). Cytogenetic location: 21q22.11.
Variant type: single nucleotide variant.
Coding change: c.2909A>G on transcript NM_138927.4 (MANE Select); coding-DNA position 2909, A replaced by G.
Protein change: p.Tyr970Cys; replaces tyrosine 970 with cysteine.
Molecular consequence: missense variant. On other transcripts: non-coding transcript variant (1), intron variant (1).
Genome position (GRCh38, 1-based): chr21:33,552,140, A>G. VCF-style: chr21-33552140-A-G. GRCh37 (hg19) VCF-style: chr21-34924446-A-G.
Other names: c.2909A>G, p.Tyr970Cys (NM_001291411.2, NM_032195.3); c.245-5016A>G (NM_001291412.3); short protein forms Y970C.
Identifiers: ClinVar variation 4812113 (VCV004812113.1).

ClinVar aggregate classification (germline): Uncertain significance (1 of 4 stars; one submission).

gnomAD v4.1: 1 of 1,614,084 alleles (0.000062%); highest among the groups gnomAD compares: Middle Eastern, 0.016%; no homozygotes.

Submission:

Labcorp Genetics (formerly Invitae), Labcorp
Classification: Uncertain significance. Last evaluated: 2025-08-18. Review status: criteria provided, single submitter. Criteria: Invitae Variant Classification Sherloc (09022015). Collection method: clinical testing. Allele origin: germline.
Comment: This sequence change replaces tyrosine, which is neutral and polar, with cysteine, which is neutral and slightly polar, at codon 970 of the SON protein (p.Tyr970Cys). This variant is not present in population databases (gnomAD no frequency). This variant has not been reported in the literature in individuals affected with SON-related conditions. An algorithm developed to predict the effect of missense changes on protein structure and function (PolyPhen-2) suggests that this variant is likely to be disruptive. In summary, the available evidence is currently insufficient to determine the role of this variant in disease. Therefore, it has been classified as a Variant of Uncertain Significance.